The following is an entry in ClinVar:

ClinVar aggregate classification (germline): Uncertain significance (1 of 4 stars; one submission).

Conditions:
Hepatic methionine adenosyltransferase deficiency. Also called: Methionine adenosyltransferase deficiency; Isolated Persistent Hypermethioninemia; MAT I/III DEFICIENCY; Deficiency of methionine adenosyltransferase. Identifiers: Orphanet 168598, MedGen C0268621, MeSH C564683, MONDO:0009607, OMIM 250850.

gnomAD v4.1: 1 of 1,613,628 alleles (0.000062%); highest among the groups gnomAD compares: South Asian, 0.0011%; no homozygotes.

Submission:

Labcorp Genetics (formerly Invitae), Labcorp
Classification: Uncertain significance for Hepatic methionine adenosyltransferase deficiency. Last evaluated: 2021-08-07. Review status: criteria provided, single submitter. Criteria: Invitae Variant Classification Sherloc (09022015). Collection method: clinical testing. Allele origin: germline.
Comment: This sequence change replaces tyrosine with cysteine at codon 271 of the MAT1A protein (p.Tyr271Cys). The tyrosine residue is highly conserved and there is a large physicochemical difference between tyrosine and cysteine. This variant is not present in population databases (ExAC no frequency). This variant has been observed in individuals with autosomal recessive hypermethioninemia (PMID: 30389272; Invitae). Algorithms developed to predict the effect of missense changes on protein structure and function (SIFT, PolyPhen-2, Align-GVGD) all suggest that this variant is likely to be disruptive. In summary, the available evidence is currently insufficient to determine the role of this variant in disease. Therefore, it has been classified as a Variant of Uncertain Significance.

Literature cited by the submitters: PubMed 30389272.

NM_000429.3(MAT1A):c.812A>G (p.Tyr271Cys)

Gene: MAT1A (methionine adenosyltransferase 1A; minus strand). Cytogenetic location: 10q22.3.
Variant type: single nucleotide variant.
Coding change: c.812A>G on transcript NM_000429.3 (MANE Select); coding-DNA position 812, A replaced by G.
Protein change: p.Tyr271Cys; replaces tyrosine 271 with cysteine.
Molecular consequence: missense variant.
Genome position (GRCh38, 1-based): chr10:80,275,156, T>C on the plus strand (A>G on the coding strand, the complement: MAT1A is on the minus strand). VCF-style: chr10-80275156-T-C. GRCh37 (hg19) VCF-style: chr10-82034912-T-C.
Other names: short protein forms Y271C.
Identifiers: ClinVar variation 1392676 (VCV001392676.8), dbSNP rs1841469345, ClinGen allele CA377360841.